The following is an entry in ClinVar:

ClinVar aggregate classification (germline): Uncertain significance (1 of 4 stars; one submission).

Submission:

Labcorp Genetics (formerly Invitae), Labcorp
Classification: Uncertain significance. Last evaluated: 2025-07-06. Review status: criteria provided, single submitter. Criteria: Invitae Variant Classification Sherloc (09022015). Collection method: clinical testing. Allele origin: germline.
Comment: This sequence change replaces aspartic acid, which is acidic and polar, with histidine, which is basic and polar, at codon 887 of the LRP5 protein (p.Asp887His). This variant is not present in population databases (gnomAD no frequency). This variant has not been reported in the literature in individuals affected with LRP5-related conditions. Invitae Evidence Modeling of protein sequence and biophysical properties (such as structural, functional, and spatial information, amino acid conservation, physicochemical variation, residue mobility, and thermodynamic stability) has been performed for this missense variant. However, the output from this modeling did not meet the statistical confidence thresholds required to predict the impact of this variant on LRP5 protein function. In summary, the available evidence is currently insufficient to determine the role of this variant in disease. Therefore, it has been classified as a Variant of Uncertain Significance.

NM_002335.4(LRP5):c.2659G>C (p.Asp887His)

Gene: LRP5 (LDL receptor related protein 5; plus strand). Cytogenetic location: 11q13.2.
Variant type: single nucleotide variant.
Coding change: c.2659G>C on transcript NM_002335.4 (MANE Select); coding-DNA position 2659, G replaced by C.
Protein change: p.Asp887His; replaces aspartic acid 887 with histidine.
Molecular consequence: missense variant.
Genome position (GRCh38, 1-based): chr11:68,413,844, G>C. VCF-style: chr11-68413844-G-C. GRCh37 (hg19) VCF-style: chr11-68181312-G-C.
Other names: c.916G>C, p.Asp306His (NM_001291902.2); short protein forms D306H, D887H.
Identifiers: ClinVar variation 4762280 (VCV004762280.1).
Genomic context (GRCh38, chr11:68,413,844, plus strand): 5'-AGCATTGAGCGGGCCGACAAGACTAGCGGCCGGAACCGCACCCTCATCCAGGGCCACCTG[G>C]ACTTCGTGATGGACATCCTGGTGTTCCACTCCTCCCGCCAGGATGGCCTCAATGACTGTA-3'
Protein context (NP_002326.2, residues 877-897): RNRTLIQGHL[Asp887His]FVMDILVFHS